The following is an entry in ClinVar:

ClinVar aggregate classification (germline): Likely benign (1 of 4 stars; one submission).

Allele frequency attached by ClinVar (database versions not stated): 1000 Genomes Project 0.00020; 1000 Genomes Project 30x 0.00031; ExAC 0.00074; TOPMed 0.00090; gnomAD exomes 0.00284.
gnomAD v4.1: 3,331 of 1,289,756 alleles (0.26%); highest among the groups gnomAD compares: Non-Finnish European, 0.32%; 8 homozygotes.

Submission:

CeGaT Center for Human Genetics Tuebingen
Classification: Likely benign. Last evaluated: 2024-02-01. Review status: criteria provided, single submitter. Criteria: CeGaT Center For Human Genetics Tuebingen Variant Classification Criteria Version 2. Collection method: clinical testing. Allele origin: germline. Affected: yes. Observed: 1 variant allele.
Comment: SORBS2: BP4

NM_001395207.1(SORBS2):c.256-3829A>G

Gene: SORBS2 (sorbin and SH3 domain containing 2; minus strand). Cytogenetic location: 4q35.1.
Variant type: single nucleotide variant.
Coding change: c.256-3829A>G on transcript NM_001395207.1 (MANE Select); 3829 bases into the intron before coding-DNA position 256, A replaced by G.
Molecular consequence: intron variant. On other transcripts: missense variant (1).
Genome position (GRCh38, 1-based): chr4:185,666,071, T>C on the plus strand (A>G on the coding strand, the complement: SORBS2 is on the minus strand). VCF-style: chr4-185666071-T-C. GRCh37 (hg19) VCF-style: chr4-186587225-T-C.
Other names: c.871A>G, p.Ser291Gly (NM_001394276.1); c.214-3829A>G (NM_001394255.1, NM_001394257.1, NM_001394247.1 and 8 more transcripts); c.-45-3829A>G (NM_001394267.1, NM_001394264.1, NM_021069.6 and 9 more transcripts); c.145-3829A>G (NM_001394262.1, NM_001394248.1, NM_001394263.1 and 1 more transcripts); c.256-3829A>G (NM_001270771.3, NM_001394252.1, NM_001394251.1 and 1 more transcripts); c.94-3829A>G (NM_001394265.1, NM_003603.7); c.163-3829A>G (NM_001145672.2, NM_001394261.1); c.493-3829A>G (NM_001145673.3); short protein forms S291G.
Identifiers: ClinVar variation 3024736 (VCV003024736.22), dbSNP rs563735895, ClinGen allele CA3161013.
Genomic context (GRCh38, chr4:185,666,071, plus strand): 5'-GGCGTGAAGACCCCACACCATCGGGGGGCGGAAGGCTGAGTGATGCTGAGCTGGTGCCAC[T>C]GCCTGGTGAGAAAGTGGCTCGGTTCAAAGGTACCACGGAAGGAGGGCACGGAGGAGAAGC-3'